The following is an entry in ClinVar:

ClinVar aggregate classification (germline): Uncertain significance. Review status: criteria provided, multiple submitters, no conflicts (2 of 4 stars). 2 submissions from 2 submitters: Uncertain significance (2). Last evaluated 2026-01-21.

Allele frequency attached by ClinVar (database versions not stated): ExAC 0.00002; gnomAD exomes 0.00002 and 0.00003; TOPMed 0.00005; gnomAD 0.00011 and 0.00012.
gnomAD v4.1: 69 of 1,613,926 alleles (0.0043%); highest among the groups gnomAD compares: Admixed American, 0.037%; no homozygotes.

Submissions (2):

Labcorp Genetics (formerly Invitae), Labcorp
Classification: Uncertain significance. Last evaluated: 2026-01-21. Review status: criteria provided, single submitter. Criteria: Invitae Variant Classification Sherloc (09022015). Collection method: clinical testing. Allele origin: germline.
Comment: This sequence change replaces valine, which is neutral and non-polar, with isoleucine, which is neutral and non-polar, at codon 34 of the LRRC8A protein (p.Val34Ile). This variant is present in population databases (rs749710079, gnomAD 0.004%). This variant has not been reported in the literature in individuals affected with LRRC8A-related conditions. ClinVar contains an entry for this variant (Variation ID: 1443193). An algorithm developed to predict the effect of missense changes on protein structure and function (PolyPhen-2) suggests that this variant is likely to be tolerated. In summary, the available evidence is currently insufficient to determine the role of this variant in disease. Therefore, it has been classified as a Variant of Uncertain Significance.

Ambry Genetics
Classification: Uncertain significance. Last evaluated: 2025-11-19. Review status: criteria provided, single submitter. Criteria: Ambry Variant Classification Scheme 2023. Collection method: clinical testing. Allele origin: germline.

NM_019594.4(LRRC8A):c.100G>A (p.Val34Ile)

Gene: LRRC8A (leucine rich repeat containing 8 VRAC subunit A; plus strand). Cytogenetic location: 9q34.11.
Variant type: single nucleotide variant.
Coding change: c.100G>A on transcript NM_019594.4 (MANE Select); coding-DNA position 100, G replaced by A.
Protein change: p.Val34Ile; replaces valine 34 with isoleucine.
Molecular consequence: missense variant.
Genome position (GRCh38, 1-based): chr9:128,907,264, G>A. VCF-style: chr9-128907264-G-A. GRCh37 (hg19) VCF-style: chr9-131669543-G-A.
Other names: c.100G>A, p.Val34Ile (NM_001127244.2, NM_001127245.2); c.100G>A (NM_001127244.1); short protein forms V34I.
Identifiers: ClinVar variation 1443193 (VCV001443193.10), dbSNP rs749710079, ClinGen allele CA5270667.
Genomic context (GRCh38, chr9:128,907,264, plus strand): 5'-CAGCCAGCATACCGGATCCTGAAGCCGTGGTGGGATGTGTTCACAGACTACATCTCTATC[G>A]TCATGCTGATGATTGCCGTCTTCGGGGGGACGCTGCAGGTCACCCAAGACAAGATGATCT-3'
Protein context (NP_062540.2, residues 24-44): WDVFTDYISI[Val34Ile]MLMIAVFGGT